The following is an entry in ClinVar:

ClinVar aggregate classification (germline): Uncertain significance (1 of 4 stars; one submission).

Conditions:
CPA1-related disorder. Also called: CPA1-related condition.

gnomAD v4.1: 1 of 1,613,720 alleles (0.000062%); highest among the groups gnomAD compares: Non-Finnish European, 0.000085%; no homozygotes.

Submission:

PreventionGenetics, part of Exact Sciences
Classification: Uncertain significance for CPA1-related condition. Last evaluated: 2025-11-13. Review status: criteria provided, single submitter. Criteria: ACMG Guidelines, 2015. Collection method: clinical testing. Allele origin: germline.
Comment: The CPA1 c.1073-1G>C variant is predicted to disrupt the AG splice acceptor site and interfere with normal splicing. This variant affects the final exon of the gene and its impact on the protein is uncertain. To our knowledge, this variant has not been reported in the literature or in a large population database (gnomAD), indicating this variant is rare. Although some loss-of-function variants have been reported in patients with chronic pancreatitis (Witt et al. 2013. PubMed ID: 23955596), other studies suggest loss-of-function variation within the CPA1 gene is unlikely to be a cause of disease (Lin et al. 2019. PubMed ID: 30862690). Therefore, at this time, the clinical significance of loss-of-function variation within the CPA1 gene remains uncertain. At this time, the clinical significance of this variant is uncertain due to the absence of conclusive functional and genetic evidence.

NM_001868.4(CPA1):c.1073-1G>C

Gene: CPA1 (carboxypeptidase A1; plus strand). Cytogenetic location: 7q32.2.
Variant type: single nucleotide variant.
Coding change: c.1073-1G>C on transcript NM_001868.4 (MANE Select); the canonical splice acceptor site of the intron before coding-DNA position 1073, G replaced by C.
Molecular consequence: splice acceptor variant.
Genome position (GRCh38, 1-based): chr7:130,387,823, G>C. VCF-style: chr7-130387823-G-C. GRCh37 (hg19) VCF-style: chr7-130027664-G-C.
Identifiers: ClinVar variation 4993704 (VCV004993704.1).